The following is an entry in ClinVar:

ClinVar aggregate classification (germline): Uncertain significance. Review status: criteria provided, multiple submitters, no conflicts (2 of 4 stars). 2 submissions from 2 submitters: Uncertain significance (2). Last evaluated 2023-12-16.

Allele frequency attached by ClinVar (database versions not stated): gnomAD exomes 0.00001; TOPMed below 0.00001; ExAC 0.00002.
gnomAD v4.1: 18 of 1,614,184 alleles (0.0011%); highest among the groups gnomAD compares: Admixed American, 0.013%; no homozygotes.

Submissions (2):

Ambry Genetics
Classification: Uncertain significance. Last evaluated: 2023-12-16. Review status: criteria provided, single submitter. Criteria: Ambry Variant Classification Scheme 2023. Collection method: clinical testing. Allele origin: germline.

Labcorp Genetics (formerly Invitae), Labcorp
Classification: Uncertain significance. Last evaluated: 2022-12-06. Review status: criteria provided, single submitter. Criteria: Invitae Variant Classification Sherloc (09022015). Collection method: clinical testing. Allele origin: germline.
Comment: This sequence change replaces arginine, which is basic and polar, with glutamine, which is neutral and polar, at codon 337 of the KANK1 protein (p.Arg337Gln). This variant is present in population databases (rs748791018, gnomAD 0.02%). This variant has not been reported in the literature in individuals affected with KANK1-related conditions. Algorithms developed to predict the effect of missense changes on protein structure and function output the following: SIFT: "Tolerated"; PolyPhen-2: "Benign"; Align-GVGD: "Class C0". The glutamine amino acid residue is found in multiple mammalian species, which suggests that this missense change does not adversely affect protein function. In summary, the available evidence is currently insufficient to determine the role of this variant in disease. Therefore, it has been classified as a Variant of Uncertain Significance.

NM_015158.5(KANK1):c.1010G>A (p.Arg337Gln)

Gene: KANK1 (KN motif and ankyrin repeat domains 1; plus strand). Cytogenetic location: 9p24.3.
Variant type: single nucleotide variant.
Coding change: c.1010G>A on transcript NM_015158.5 (MANE Select); coding-DNA position 1010, G replaced by A.
Protein change: p.Arg337Gln; replaces arginine 337 with glutamine.
Molecular consequence: missense variant. On other transcripts: non-coding transcript variant (1).
Genome position (GRCh38, 1-based): chr9:711,776, G>A. VCF-style: chr9-711776-G-A. GRCh37 (hg19) VCF-style: chr9-711776-G-A.
Other names: c.1010G>A (NM_015158.2); c.1010G>A, p.Arg337Gln (NM_001256876.3, NM_001256877.3, NM_001354331.2 and 2 more transcripts); c.536G>A, p.Arg179Gln (NM_001354333.2, NM_001354335.2, NM_001354336.2 and 9 more transcripts); short protein forms R179Q, R337Q.
Identifiers: ClinVar variation 2067592 (VCV002067592.5), dbSNP rs748791018, ClinGen allele CA4960097.